The following is an entry in ClinVar:

NM_001122659.3(EDNRB):c.821A>G (p.Asp274Gly)

Genes: EDNRB (endothelin receptor type B; minus strand), EDNRB-AS1 (EDNRB antisense RNA 1; plus strand). Cytogenetic location: 13q22.3.
Variant type: single nucleotide variant.
Coding change: c.821A>G on transcript NM_001122659.3 (MANE Select); coding-DNA position 821, A replaced by G.
Protein change: p.Asp274Gly; replaces aspartic acid 274 with glycine.
Molecular consequence: missense variant.
Genome position (GRCh38, 1-based): chr13:77,901,188, T>C on the plus strand (A>G on the coding strand, the complement: EDNRB is on the minus strand). VCF-style: chr13-77901188-T-C. GRCh37 (hg19) VCF-style: chr13-78475323-T-C.
Other names: c.821A>G, p.Asp274Gly (NM_000115.5, NM_003991.4); c.1091A>G, p.Asp364Gly (NM_001201397.2); short protein forms D364G, D274G.
Identifiers: ClinVar variation 1897939 (VCV001897939.7), dbSNP rs142295388, ClinGen allele CA253048134.

ClinVar aggregate classification (germline): Uncertain significance. Review status: criteria provided, multiple submitters, no conflicts (2 of 4 stars). 3 submissions from 3 submitters: Uncertain significance (3). Last evaluated 2025-12-01.

Conditions:
Inborn genetic diseases. Identifiers: MedGen C0950123, MeSH D030342.

gnomAD v4.1: 32 of 1,610,744 alleles (0.002%); highest among the groups gnomAD compares: Non-Finnish European, 0.0025%; no homozygotes.

Submissions (3):

Labcorp Genetics (formerly Invitae), Labcorp
Classification: Uncertain significance. Last evaluated: 2025-12-01. Review status: criteria provided, single submitter. Criteria: Invitae Variant Classification Sherloc (09022015). Collection method: clinical testing. Allele origin: germline.
Comment: This sequence change replaces aspartic acid, which is acidic and polar, with glycine, which is neutral and non-polar, at codon 274 of the EDNRB protein (p.Asp274Gly). This variant is present in population databases (rs142295388, gnomAD 0.01%), including at least one homozygous and/or hemizygous individual. This variant has not been reported in the literature in individuals affected with EDNRB-related conditions. ClinVar contains an entry for this variant (Variation ID: 1897939). Invitae Evidence Modeling of protein sequence and biophysical properties (such as structural, functional, and spatial information, amino acid conservation, physicochemical variation, residue mobility, and thermodynamic stability) has been performed for this missense variant. However, the output from this modeling did not meet the statistical confidence thresholds required to predict the impact of this variant on EDNRB protein function. In summary, the available evidence is currently insufficient to determine the role of this variant in disease. Therefore, it has been classified as a Variant of Uncertain Significance.

Ambry Genetics
Classification: Uncertain significance for Inborn genetic diseases. Last evaluated: 2024-05-06. Review status: criteria provided, single submitter. Criteria: Ambry Variant Classification Scheme 2023. Collection method: clinical testing. Allele origin: germline.

GeneDx
Classification: Uncertain significance. Last evaluated: 2023-01-08. Review status: criteria provided, single submitter. Criteria: GeneDx Variant Classification Process June 2021. Collection method: clinical testing. Allele origin: germline. Affected: yes.
Comment: In silico analysis supports that this missense variant has a deleterious effect on protein structure/function; Has not been previously published as pathogenic or benign to our knowledge